The following is an entry in ClinVar:

ClinVar aggregate classification (germline): Pathogenic (1 of 4 stars; one submission).

Conditions:
Harel-Yoon syndrome (HAYOS). Also called: Optic atrophy-peripheral neuropathy-developmental delay syndrome. Identifiers: Orphanet 496790, MedGen C4310677, MONDO:0014958, OMIM 617183.

Submission:

Women's Health and Genetics/Laboratory Corporation of America, LabCorp
Classification: Pathogenic for Harel-Yoon syndrome. Last evaluated: 2024-02-15. Review status: criteria provided, single submitter. Criteria: LabCorp Variant Classification Summary - May 2015. Collection method: clinical testing. Allele origin: germline.
Comment: Variant summary: The variant involves the deletion of exons 1-5 in the ATAD3A gene. The exact breakpoint at the 5' end of this variant is unknown, therefore this deletion may extend upstream of the annotated region of this gene. A presumed nomenclature of c.(?_-108)_(514+1_515-1)del has been designated for the purposes of this classification. Although the exact breakpoints of this deletion are not known, it is predicted to remove the initiation codon and result in an absence of protein or a truncation of the encoded protein due to translation initiation at a downstream site. The variant was absent in 21694 control chromosomes. To our knowledge, no occurrence of c.(?_-108)_(514+1_515-1)del in individuals affected with Harel-Yoon Syndrome Recessive and no experimental evidence demonstrating its impact on protein function have been reported. No submitters have cited clinical-significance assessments for this variant to ClinVar. Based on the evidence outlined above, the variant was classified as pathogenic.

NC_000001.10:g.(?_1447541)_(1454371_1455520)del

Gene: ATAD3A (ATPase family AAA domain containing 3A; plus strand). Cytogenetic location: 1p36.33.
Variant type: Deletion.
Identifiers: ClinVar variation 3068946 (VCV003068946.1).